The following is an entry in ClinVar:

NM_033305.3(VPS13A):c.2833A>T (p.Lys945Ter)

Gene: VPS13A (vacuolar protein sorting 13 homolog A; plus strand). Cytogenetic location: 9q21.2.
Variant type: single nucleotide variant.
Coding change: c.2833A>T on transcript NM_033305.3 (MANE Select); coding-DNA position 2833, A replaced by T.
Protein change: p.Lys945Ter; replaces lysine 945 with a stop codon.
Molecular consequence: nonsense.
Genome position (GRCh38, 1-based): chr9:77,280,167, A>T. VCF-style: chr9-77280167-A-T. GRCh37 (hg19) VCF-style: chr9-79895083-A-T.
Other names: c.2833A>T, p.Lys945Ter (NM_015186.4, NM_001018037.2, NM_001018038.3); short protein forms K945*.
Identifiers: ClinVar variation 2704241 (VCV002704241.3), dbSNP rs2537833230, ClinGen allele CA373845962.

ClinVar aggregate classification (germline): Pathogenic (1 of 4 stars; one submission).

Submission:

Labcorp Genetics (formerly Invitae), Labcorp
Classification: Pathogenic. Last evaluated: 2023-12-19. Review status: criteria provided, single submitter. Criteria: Invitae Variant Classification Sherloc (09022015). Collection method: clinical testing. Allele origin: germline.
Comment: This sequence change creates a premature translational stop signal (p.Lys945*) in the VPS13A gene. It is expected to result in an absent or disrupted protein product. Loss-of-function variants in VPS13A are known to be pathogenic (PMID: 12404112, 21598378). This variant is not present in population databases (gnomAD no frequency). This premature translational stop signal has been observed in individual(s) with choreoacanthocytosis (PMID: 35130982). For these reasons, this variant has been classified as Pathogenic.

Literature cited by the submitters: PubMed 12404112; PubMed 21598378; PubMed 35130982.